The following is an entry in ClinVar:

NC_000005.10:g.(?_112827102)_(112844132_?)del

Gene: APC (APC regulator of Wnt signaling pathway; plus strand). Cytogenetic location: 5q22.2.
Variant type: Deletion.
Identifiers: ClinVar variation 469692 (VCV000469692.1).

ClinVar aggregate classification (germline): Pathogenic (1 of 4 stars; one submission).

Conditions:
Familial adenomatous polyposis 1 (FAP1). Also called: POLYPOSIS, ADENOMATOUS INTESTINAL; FAMILIAL ADENOMATOUS POLYPOSIS 1, ATTENUATED. Identifiers: MedGen C2713442, MONDO:0021056, OMIM 175100. Disease mechanism: loss of function.

Submission:

Labcorp Genetics (formerly Invitae), Labcorp
Classification: Pathogenic for Familial adenomatous polyposis 1. Last evaluated: 2018-03-15. Review status: criteria provided, single submitter. Criteria: Invitae Variant Classification Sherloc (09022015). Collection method: clinical testing. Allele origin: germline.
Comment: This variant is a gross deletion of the genomic region encompassing exons 12-16 of the APC gene. The 5' boundary is likely confined to intron 11. The 3' end of this event is unknown as it extends through the termination codon beyond the assayed region for this gene and may encompass additional genes. While this deletion is not anticipated to result in nonsense mediated decay, it is expected to create a truncated protein product or disrupt mRNA translation. Deletions encompassing exons 12-16, also known as exons 11-15 in the literature, have been reported in individuals and families affected with familial adenomatous polyposis (PMID: 20223039, 16736293, 18487285). For these reasons, this variant has been classified as Pathogenic.

Literature cited by the submitters: PubMed 18487285; PubMed 20223039; PubMed 16736293.